The following is an entry in ClinVar:

NM_000051.4(ATM):c.2839-11T>C

Gene: ATM (ATM serine/threonine kinase; plus strand). Cytogenetic location: 11q22.3.
Variant type: single nucleotide variant.
Coding change: c.2839-11T>C on transcript NM_000051.4 (MANE Select); 11 bases into the intron before coding-DNA position 2839, T replaced by C.
Molecular consequence: intron variant.
Genome position (GRCh38, 1-based): chr11:108,271,053, T>C. VCF-style: chr11-108271053-T-C. GRCh37 (hg19) VCF-style: chr11-108141780-T-C.
Other names: c.2839-11T>C (NM_001351834.2, NM_000051.3).
Identifiers: ClinVar variation 2016373 (VCV002016373.6), dbSNP rs1429589119, ClinGen allele CA602132589.
Genomic context (GRCh38, chr11:108,271,053, plus strand): 5'-CTATGTTTATATACTTTTTAAAGTAAATGATTTGTGGATAAACCTGATTTTTTTCCCTCC[T>C]ACCATCTTAGTATCTAATGCTTTTAAAGGAGCTTCCTGGAGAAGAGTACCCCTTGCCAAT-3'

ClinVar aggregate classification (germline): Conflicting classifications of pathogenicity. Review status: criteria provided, conflicting classifications (1 of 4 stars). 3 submissions from 3 submitters: Uncertain significance (1); Likely benign (2). Last evaluated 2024-05-10.

Conditions:
Hereditary cancer-predisposing syndrome. Also called: Neoplastic Syndromes, Hereditary; Hereditary neoplastic syndrome; Tumor predisposition; Hereditary Cancer Syndrome. Identifiers: Orphanet 140162, MedGen C0027672, MeSH D009386, MONDO:0015356.
Familial cancer of breast. Also called: hereditary breast carcinoma; BREAST CANCER, FAMILIAL; Hereditary breast cancer. Identifiers: Orphanet 227535, MedGen C0346153, MONDO:0016419, OMIM 114480. Disease mechanism: loss of function.
Ataxia-telangiectasia syndrome (AT). Also called: Cerebello-oculocutaneous telangiectasia; Immunodeficiency with ataxia telangiectasia; Ataxia telangiectasia (A-T); LOUIS-BAR SYNDROME; Ataxia-telangiectasia, complementation group D; AT, COMPLEMENTATION GROUP C. Identifiers: Orphanet 100, MedGen C0004135, MONDO:0008840, OMIM 208900.

gnomAD v4.1: 3 of 1,610,782 alleles (0.00019%); highest among the groups gnomAD compares: East Asian, 0.0022%; no homozygotes.

Submissions (3):

Myriad Genetics, Inc.
Classification: Likely benign for Familial cancer of breast. Last evaluated: 2024-05-10. Review status: criteria provided, single submitter. Criteria: Myriad Autosomal Dominant, Autosomal Recessive and X-Linked Classification Criteria (2023). Collection method: clinical testing. Allele origin: unknown.
Comment: This variant is considered likely benign. This variant is intronic and is not expected to impact mRNA splicing.

Labcorp Genetics (formerly Invitae), Labcorp
Classification: Likely benign for Ataxia-telangiectasia syndrome. Last evaluated: 2022-07-12. Review status: criteria provided, single submitter. Criteria: Invitae Variant Classification Sherloc (09022015). Collection method: clinical testing. Allele origin: germline.

Ambry Genetics
Classification: Uncertain significance for Hereditary cancer-predisposing syndrome. Last evaluated: 2014-10-21. Review status: criteria provided, single submitter. Criteria: Ambry Variant Classification Scheme 2023. Collection method: clinical testing. Allele origin: germline.
Comment: The c.2839-11T>C intronic alteration consists of a T to C substitution 11 nucleotides before coding exon 18 in the ATM gene. Based on insufficient or conflicting evidence, the clinical significance of this alteration remains unclear.